The following is an entry in ClinVar:

NM_000203.5(IDUA):c.-14_10del (p.Met1_Leu4del)

Genes: IDUA (alpha-L-iduronidase; plus strand), SLC26A1 (solute carrier family 26 member 1; minus strand). Cytogenetic location: 4p16.3.
Variant type: Deletion.
Coding change: c.-14_10del on transcript NM_000203.5 (MANE Select); 14 bases upstream of the start codon through coding-DNA position 10, 24 bases deleted (GAGCACGCGTGGCCATGCGTCCCC).
Protein change: p.Met1_Leu4del.
Molecular consequence: inframe deletion, initiator codon variant. On other transcripts: non-coding transcript variant (1), intron variant (1).
Genome position (GRCh38, 1-based): chr4:987,071-987,094, GAGCACGCGTGGCCATGCGTCCCC deleted; deleting any 24 consecutive bases within chr4:987,065-987,094 gives the same sequence; the c. name uses the placement nearest the transcript's 3' end. VCF-style (leftmost placement, unchanged base first): chr4-987064-AGTCCCCGAGCACGCGTGGCCATGC-A. GRCh37 (hg19) VCF-style: chr4-980852-AGTCCCCGAGCACGCGTGGCCATGC-A.
Other names: c.576+4040_576+4063del (NM_134425.4).
Identifiers: ClinVar variation 1926190 (VCV001926190.5), dbSNP rs766603377, ClinGen allele CA2801091.

ClinVar aggregate classification (germline): Pathogenic (1 of 4 stars; one submission).

Conditions:
Mucopolysaccharidosis type 1. Also called: IDUA deficiency; MPS I; Mucopolysaccharidosis Type I. Identifiers: Orphanet 579, MedGen C0023786, MONDO:0001586.

Submission:

Labcorp Genetics (formerly Invitae), Labcorp
Classification: Pathogenic for Mucopolysaccharidosis type 1. Last evaluated: 2023-09-10. Review status: criteria provided, single submitter. Criteria: Invitae Variant Classification Sherloc (09022015). Collection method: clinical testing. Allele origin: germline.
Comment: ClinVar contains an entry for this variant (Variation ID: 1926190). Disruption of the initiator codon has been observed in individual(s) with mucopolysaccharidosis type I (PMID: 27146977, 31236806). This variant is not present in population databases (gnomAD no frequency). This sequence change affects the initiator methionine of the IDUA mRNA. The next in-frame methionine is located at codon 133. For these reasons, this variant has been classified as Pathogenic.

Literature cited by the submitters: PubMed 27146977; PubMed 31236806.